The following is an entry in ClinVar:

NM_002691.4(POLD1):c.2861C>G (p.Thr954Arg)

Gene: POLD1 (DNA polymerase delta 1, catalytic subunit; plus strand). Cytogenetic location: 19q13.33.
Variant type: single nucleotide variant.
Coding change: c.2861C>G on transcript NM_002691.4 (MANE Select); coding-DNA position 2861, C replaced by G.
Protein change: p.Thr954Arg; replaces threonine 954 with arginine.
Molecular consequence: missense variant. On other transcripts: non-coding transcript variant (1).
Genome position (GRCh38, 1-based): chr19:50,416,436, C>G. VCF-style: chr19-50416436-C-G. GRCh37 (hg19) VCF-style: chr19-50919693-C-G.
Other names: c.2861C>G, p.Thr954Arg (NM_001256849.1); c.2939C>G, p.Thr980Arg (NM_001308632.1); short protein forms T954R, T980R.
Identifiers: ClinVar variation 239314 (VCV000239314.28), dbSNP rs374016016, ClinGen allele CA9596677.
Genomic context (GRCh38, chr19:50,416,436, plus strand): 5'-TGACTGCCATGTGGCCGCAGGACCCGCTGTTCGTGCTGGAGCACAGCCTGCCCATTGACA[C>G]GCAGTACTACCTGGAGCAGCAGCTGGCCAAGCCCCTCCTGCGCATCTTCGAGCCCATCCT-3'
Protein context (NP_002682.2, residues 944-964): FVLEHSLPID[Thr954Arg]QYYLEQQLAK

ClinVar aggregate classification (germline): Conflicting classifications of pathogenicity. Review status: criteria provided, conflicting classifications (1 of 4 stars). 8 submissions from 8 submitters: Uncertain significance (7); Likely benign (1). Last evaluated 2026-02-12.

Conditions:
POLD1-related polyposis and colorectal cancer syndrome (CRCS10). Also called: COLORECTAL CANCER, SUSCEPTIBILITY TO, ON CHROMOSOME 19q; Colorectal cancer 10; Colorectal cancer, susceptibility to, 10. Identifiers: Orphanet 220460, MedGen C2675481, MONDO:0012953, OMIM 612591.
Mandibular hypoplasia-deafness-progeroid syndrome. Also called: Mandibular hypoplasia, deafness, progeroid features, and lipodystrophy syndrome. Identifiers: Orphanet 363649, MedGen C3715192, MONDO:0014157, OMIM 615381.
Hereditary cancer-predisposing syndrome. Also called: Hereditary Cancer Syndrome; Neoplastic Syndromes, Hereditary; Hereditary neoplastic syndrome; Tumor predisposition. Identifiers: Orphanet 140162, MedGen C0027672, MeSH D009386, MONDO:0015356.
POLD1-related disorder. Also called: POLD1-related condition; POLD1-related disorders.

Allele frequency attached by ClinVar (database versions not stated): TOPMed 0.00013; 1000 Genomes Project 30x 0.00016; 1000 Genomes Project 0.00020; gnomAD 0.00026.
gnomAD v4.1: 34 of 1,549,956 alleles (0.0022%); highest among the groups gnomAD compares: African/African-American, 0.033%; no homozygotes.

Submissions (8):

Women's Health and Genetics/Laboratory Corporation of America, LabCorp
Classification: Likely benign. Last evaluated: 2026-02-12. Review status: criteria provided, single submitter. Criteria: LabCorp Variant Classification Summary - May 2015. Collection method: clinical testing. Allele origin: germline.
Comment: Variant summary: POLD1 c.2861C>G (p.Thr954Arg) results in a non-conservative amino acid change in the encoded protein sequence. Algorithms developed to predict the effect of missense changes on protein structure and function are either unavailable or do not agree on the potential impact of this missense change. The variant allele was found at a frequency of 7e-05 in 186752 control chromosomes, predominantly at a frequency of 0.00064 within the African or African-American subpopulation in the gnomAD database. The observed variant frequency within African or African-American control individuals in the gnomAD database exceeds the estimated maximal expected allele frequency for disease-causing variants in POLD1. To our knowledge, no occurrence of c.2861C>G in individuals affected with POLD1-related conditions and no experimental evidence demonstrating its impact on protein function have been reported. ClinVar contains an entry for this variant (Variation ID: 239314). Based on the evidence outlined above, the variant was classified as likely benign.

Labcorp Genetics (formerly Invitae), Labcorp
Classification: Uncertain significance for POLD1-related polyposis and colorectal cancer syndrome. Last evaluated: 2026-01-27. Review status: criteria provided, single submitter. Criteria: Invitae Variant Classification Sherloc (09022015). Collection method: clinical testing. Allele origin: germline.
Comment: This sequence change replaces threonine, which is neutral and polar, with arginine, which is basic and polar, at codon 954 of the POLD1 protein (p.Thr954Arg). This variant is present in population databases (rs374016016, gnomAD 0.06%), and has an allele count higher than expected for a pathogenic variant. This missense change has been observed in individual(s) with breast cancer (PMID: 35534704). ClinVar contains an entry for this variant (Variation ID: 239314). Invitae Evidence Modeling of protein sequence and biophysical properties (such as structural, functional, and spatial information, amino acid conservation, physicochemical variation, residue mobility, and thermodynamic stability) indicates that this missense variant is expected to disrupt POLD1 protein function with a positive predictive value of 80%. RNA analysis performed to evaluate the impact of this missense change on mRNA splicing indicates it does not significantly alter splicing (internal data). In summary, the available evidence is currently insufficient to determine the role of this variant in disease. Therefore, it has been classified as a Variant of Uncertain Significance.

PreventionGenetics, part of Exact Sciences
Classification: Uncertain significance for POLD1-related condition. Last evaluated: 2026-01-08. Review status: criteria provided, single submitter. Criteria: ACMG Guidelines, 2015. Collection method: clinical testing. Allele origin: germline.
Comment: The POLD1 c.2861C>G variant is predicted to result in the amino acid substitution p.Thr954Arg. This variant has been reported in an individual with breast cancer (Table S3, de Oliveira et al. 2022. PubMed ID: 35534704). This variant is reported in 0.064% of alleles in individuals of African descent in gnomAD, which is higher than expected for a pathogenic variant. This variant is interpreted as uncertain in ClinVar (Variation ID: 239314). At this time, the clinical significance of this variant is uncertain due to the absence of conclusive functional and genetic evidence.

GeneDx
Classification: Uncertain significance. Last evaluated: 2025-01-17. Review status: criteria provided, single submitter. Criteria: GeneDx Variant Classification Process June 2021. Collection method: clinical testing. Allele origin: germline. Affected: yes.
Comment: In silico analysis supports that this missense variant has a deleterious effect on protein structure/function; In silico analysis suggests this variant may impact gene splicing. In the absence of RNA/functional studies, the actual effect of this sequence change is unknown.; This variant is associated with the following publications: (PMID: 26344056, 35534704)

Ambry Genetics
Classification: Uncertain significance for Hereditary cancer-predisposing syndrome. Last evaluated: 2024-12-20. Review status: criteria provided, single submitter. Criteria: Ambry Variant Classification Scheme 2023. Collection method: clinical testing. Allele origin: germline.
Comment: The p.T954R variant (also known as c.2861C>G), located in coding exon 22 of the POLD1 gene, results from a C to G substitution at nucleotide position 2861. The threonine at codon 954 is replaced by arginine, an amino acid with similar properties. This amino acid position is conserved. In addition, the in silico prediction for this alteration is inconclusive. Based on the available evidence, the clinical significance of this variant remains unclear.

Revvity Omics, Revvity
Classification: Uncertain significance for Mandibular hypoplasia-deafness-progeroid syndrome. Last evaluated: 2024-10-07. Review status: criteria provided, single submitter. Criteria: ACMG Guidelines, 2015. Collection method: clinical testing. Allele origin: germline.

Fulgent Genetics
Classification: Uncertain significance for POLD1-related polyposis and colorectal cancer syndrome; Mandibular hypoplasia-deafness-progeroid syndrome. Last evaluated: 2018-10-31. Review status: criteria provided, single submitter. Criteria: ACMG Guidelines, 2015. Collection method: clinical testing. Allele origin: unknown.

Quest Diagnostics Nichols Institute San Juan Capistrano
Classification: Uncertain significance. Last evaluated: 2017-10-19. Review status: criteria provided, single submitter. Criteria: Quest Diagnostics criteria. Collection method: clinical testing. Allele origin: unknown.

Literature cited by the submitters: PubMed 35534704 (cited by Labcorp Genetics (formerly Invitae), Labcorp).